The following is an entry in ClinVar:

NM_001292063.2(OTOG):c.7058G>A (p.Arg2353His)

Gene: OTOG (otogelin; plus strand). Cytogenetic location: 11p15.1.
Variant type: single nucleotide variant.
Coding change: c.7058G>A on transcript NM_001292063.2 (MANE Select); coding-DNA position 7058, G replaced by A.
Protein change: p.Arg2353His; replaces arginine 2353 with histidine.
Molecular consequence: missense variant.
Genome position (GRCh38, 1-based): chr11:17,632,212, G>A. VCF-style: chr11-17632212-G-A. GRCh37 (hg19) VCF-style: chr11-17653759-G-A.
Other names: c.7094G>A, p.Arg2365His (NM_001277269.2); short protein forms R2353H, R2365H.
Identifiers: ClinVar variation 3351545 (VCV003351545.1).
Genomic context (GRCh38, chr11:17,632,212, plus strand): 5'-TGGCCCTGACTGTGTACGTGGCCATGTGCCACAAATTTCATGTGTGCATCGAGTGGCGGC[G>A]CTCTGACTACTGCCGTGAGTTTGCGGGGCAGGGGGACCCTCCATTGTGACTATTGTTCCC-3'
Protein context (NP_001278992.1, residues 2343-2363): HKFHVCIEWR[Arg2353His]SDYCPFLCSS

ClinVar aggregate classification (germline): Uncertain significance (0 of 4 stars; one submission).

Conditions:
OTOG-related disorder. Also called: OTOG-related condition.

gnomAD v4.1: 10 of 1,550,440 alleles (0.00064%); highest among the groups gnomAD compares: African/African-American, 0.0055%; no homozygotes.

Submission:

PreventionGenetics, part of Exact Sciences
Classification: Uncertain significance for OTOG-related condition. Last evaluated: 2024-04-29. Review status: no assertion criteria provided. Collection method: clinical testing. Allele origin: germline.
Comment: The OTOG c.7094G>A variant is predicted to result in the amino acid substitution p.Arg2365His. To our knowledge, this variant has not been reported in the literature or in a large population database, indicating this variant is rare. At this time, the clinical significance of this variant is uncertain due to the absence of conclusive functional and genetic evidence.